The following is an entry in ClinVar:

ClinVar aggregate classification (germline): Likely pathogenic (1 of 4 stars; one submission).

Conditions:
Phelan-McDermid syndrome. Also called: TELOMERIC 22q13 MONOSOMY SYNDROME; 22q13.3 deletion syndrome; Phelan-McDermid Syndrome-SHANK3 Related. Identifiers: Orphanet 48652, MedGen C1853490, MONDO:0011652, OMIM 606232.

Submission:

Molecular Genetics Department, Kulakov National Medical Research Center for Obstetrics, Gynecology and Perinatology
Classification: Likely pathogenic for Phelan-McDermid syndrome. Review status: criteria provided, single submitter. Criteria: ACMG Guidelines, 2015. Collection method: clinical testing. Allele origin: germline. Affected: yes.
Comment: A previously undescribed nucleotide variant creates a frameshift p.Ala1096ProfsTer44 in the SHANK3 gene. Loss-of-function variants are reported in patients with Phelan-McDermid syndrome, 606232. The variant is not present in population database (gnomAD no frequency). In summary, the currently available evidence indicates that the variant is pathogenic, but additional data are needed to prove that conclusively. Therefore, this variant has been classified as likely pathogenic.

NM_001372044.2(SHANK3):c.3286del (p.Glu1096fs)

Gene: SHANK3 (SH3 and multiple ankyrin repeat domains 3; plus strand). Cytogenetic location: 22q13.33.
Variant type: Deletion.
Coding change: c.3286del on transcript NM_001372044.2 (MANE Select); coding-DNA position 3286, one base deleted (G; older notation c.3286delG).
Protein change: p.Glu1096fs; shifts the reading frame from glutamic acid 1096.
Molecular consequence: frameshift variant.
Genome position (GRCh38, 1-based): chr22:50,720,894, G deleted; the last of 2 consecutive G bases (chr22:50,720,893-50,720,894); deleting either gives the same sequence. VCF-style (leftmost placement, unchanged base first): chr22-50720892-TG-T. GRCh37 (hg19) VCF-style: chr22-51159320-TG-T.
Other names: c.3061delG, p.Glu1021Argfs (NM_033517.1); short protein forms E1096fs.
Identifiers: ClinVar variation 3062260 (VCV003062260.1), dbSNP rs2518426852, ClinGen allele CA2740092006.